The following is an entry in ClinVar:

ClinVar aggregate classification (germline): Pathogenic (1 of 4 stars; one submission).

Conditions:
Factor H deficiency (CFHD). Also called: COMPLEMENT FACTOR H DEFICIENCY; CFH DEFICIENCY. Identifiers: Orphanet 200421, MedGen C0398777, MONDO:0012350, OMIM 609814.

Submission:

Genomenon, Inc
Classification: Pathogenic for Factor H deficiency. Last evaluated: 2026-09-17. Review status: criteria provided, single submitter. Criteria: Genomenon Sequence Variant Interpretation Standards - Updated. Collection method: curation. Allele origin: germline. Affected: yes.
Comment: CFH p.Tyr352Ter (c.1056T>A) is a nonsense variant that introduces a premature stop codon at amino acid position 352 and is predicted to result in a truncated or absent protein product. This variant has been observed in at least one proband affected with complement factor H deficiency (PMID: 35619721). It is absent or not present at a significant frequency in gnomAD. In conclusion, we classify CFH p.Tyr352Ter (c.1056T>A) as a pathogenic variant.

Literature cited by the submitters: PubMed 35619721.

NM_000186.4(CFH):c.1056T>A (p.Tyr352Ter)

Gene: CFH (complement factor H; plus strand). Cytogenetic location: 1q31.3.
Variant type: single nucleotide variant.
Coding change: c.1056T>A on transcript NM_000186.4 (MANE Select); coding-DNA position 1056, T replaced by A.
Protein change: p.Tyr352Ter; replaces tyrosine 352 with a stop codon.
Molecular consequence: nonsense.
Genome position (GRCh38, 1-based): chr1:196,689,511, T>A. VCF-style: chr1-196689511-T-A. GRCh37 (hg19) VCF-style: chr1-196658641-T-A.
Other names: c.1056T>A, p.Tyr352Ter (NM_001014975.3); short protein forms Y352*.
Identifiers: ClinVar variation 4291352 (VCV004291352.2).